The following is an entry in ClinVar:

ClinVar aggregate classification (germline): Pathogenic. Review status: criteria provided, multiple submitters, no conflicts (2 of 4 stars). 2 submissions from 2 submitters: Pathogenic (2). Last evaluated 2025-03-17.

Conditions:
Inborn genetic diseases. Identifiers: MedGen C0950123, MeSH D030342.
Glomuvenous malformation. Also called: Familial glomangioma; VENOUS MALFORMATIONS WITH GLOMUS CELLS; GLOMANGIOMAS, MULTIPLE; GLOMUS TUMORS, MULTIPLE. Identifiers: Orphanet 83454, MedGen C1841984, MONDO:0007672, OMIM 138000.

Submissions (2):

Ambry Genetics
Classification: Pathogenic for Inborn genetic diseases. Last evaluated: 2025-03-17. Review status: criteria provided, single submitter. Criteria: Ambry Variant Classification Scheme 2023. Collection method: clinical testing. Allele origin: germline.
Comment: The c.1376delG (p.G459Vfs*17) alteration, located in exon 15 (coding exon 14) of the GLMN gene, consists of a deletion of one nucleotide at position 1376, causing a translational frameshift with a predicted alternate stop codon after 17 amino acids. This alteration is expected to result in loss of function by premature protein truncation or nonsense-mediated mRNA decay. This variant was not reported in population-based cohorts in the Genome Aggregation Database (gnomAD). Based on the available evidence, this alteration is classified as pathogenic.

Revvity Omics, Revvity
Classification: Pathogenic for Glomuvenous malformation. Last evaluated: 2020-02-24. Review status: criteria provided, single submitter. Criteria: ACMG Guidelines, 2015. Collection method: clinical testing. Allele origin: germline.

NM_053274.3(GLMN):c.1376del (p.Gly459fs)

Gene: GLMN (glomulin, FKBP associated protein; minus strand). Cytogenetic location: 1p22.1.
Variant type: Deletion.
Coding change: c.1376del on transcript NM_053274.3 (MANE Select); coding-DNA position 1376, one base deleted (G; older notation c.1376delG).
Protein change: p.Gly459fs; shifts the reading frame from glycine 459.
Molecular consequence: frameshift variant. On other transcripts: non-coding transcript variant (1).
Genome position (GRCh38, 1-based): chr1:92,263,656, C deleted on the plus strand (G on the coding strand, the reverse complement: GLMN is on the minus strand); the first of 3 consecutive C bases (chr1:92,263,656-92,263,658); deleting any one gives the same sequence. VCF-style (leftmost placement, unchanged base first): chr1-92263655-AC-A. GRCh37 (hg19) VCF-style: chr1-92729212-AC-A.
Other names: c.1376delG (NM_053274.2); c.1334del, p.Gly445fs (NM_001319683.2); short protein forms G445fs, G459fs.
Identifiers: ClinVar variation 1323020 (VCV001323020.5), dbSNP rs2100872124, ClinGen allele CA2573051629.